The following is an entry in ClinVar:

ClinVar aggregate classification (germline): Pathogenic (1 of 4 stars; one submission).

Conditions:
O'Donnell-Luria-Rodan syndrome (ODLURO). Also called: KMT2E-Related Neurodevelopmental Disorder. Identifiers: MedGen C5193138, MONDO:0032793, OMIM 618512.

Submission:

Illumina Laboratory Services, Illumina
Classification: Pathogenic for O'Donnell-Luria-Rodan syndrome. Last evaluated: 2019-10-16. Review status: criteria provided, single submitter. Criteria: ICSLVariantClassificationCriteria RUGD 01 April 2020. Collection method: clinical testing. Allele origin: unknown.
Comment: The KMT2E c.2555delA p.(Asn852IlefsTer7) variant causes a shift in the protein reading frame that is predicted to result in premature termination of the protein. Loss of normal protein function through either protein truncation or nonsense-mediated mRNA decay is expected. To our knowledge, this variant has not been reported in the peer-reviewed literature. This variant is not found in the Genome Aggregation Database (version 2.1.1). While this variant has not been previously reported, other loss of function variants, including several downstream of the p.Asn852IlefsTer7 variant, have been reported in affected individuals (O'Donnell-Luria et al. 2019). Based on the available evidence, the c.2555delA p.(Asn852IlefsTer7) variant is classified as pathogenic for O'Donnell-Luria-Rodan syndrome.

NM_182931.3(KMT2E):c.2555del (p.Asn852fs)

Gene: KMT2E (lysine methyltransferase 2E (inactive); plus strand). Cytogenetic location: 7q22.3.
Variant type: Deletion.
Coding change: c.2555del on transcript NM_182931.3 (MANE Select); coding-DNA position 2555, one base deleted (A; older notation c.2555delA).
Protein change: p.Asn852fs; shifts the reading frame from asparagine 852.
Molecular consequence: frameshift variant.
Genome position (GRCh38, 1-based): chr7:105,105,962, A deleted; the last of 4 consecutive A bases (chr7:105,105,959-105,105,962); deleting any one gives the same sequence. VCF-style (leftmost placement, unchanged base first): chr7-105105958-GA-G. GRCh37 (hg19) VCF-style: chr7-104746405-GA-G.
Other names: c.2555del, p.Asn852fs (NM_001410908.1, NM_018682.4); short protein forms N852fs.
Identifiers: ClinVar variation 3062121 (VCV003062121.1), dbSNP rs2536504223, ClinGen allele CA2740097489.